The following is an entry in ClinVar:

NM_000474.4(TWIST1):c.421G>A (p.Asp141Asn)

Genes: TWIST1 (twist family bHLH transcription factor 1; minus strand), LOC129998021 (ATAC-STARR-seq lymphoblastoid active region 25682; plus strand). Cytogenetic location: 7p21.1.
Variant type: single nucleotide variant.
Coding change: c.421G>A on transcript NM_000474.4 (MANE Select); coding-DNA position 421, G replaced by A.
Protein change: p.Asp141Asn; replaces aspartic acid 141 with asparagine.
Molecular consequence: missense variant. On other transcripts: non-coding transcript variant (1).
Genome position (GRCh38, 1-based): chr7:19,116,901, C>T on the plus strand (G>A on the coding strand, the complement: TWIST1 is on the minus strand). VCF-style: chr7-19116901-C-T. GRCh37 (hg19) VCF-style: chr7-19156524-C-T.
Other names: short protein forms D141N.
Identifiers: ClinVar variation 2136497 (VCV002136497.4), dbSNP rs2486049601, ClinGen allele CA367015477.

ClinVar aggregate classification (germline): Uncertain significance (1 of 4 stars; one submission).

Conditions:
TWIST1-related craniosynostosis (CRS1). Also called: CRANIOSYNOSTOSIS 1. Identifiers: Orphanet 63440, MedGen C4551902, MONDO:0007399, OMIM 123100. Inheritance: Heterogenous inheritance pattern.
Saethre-Chotzen syndrome (SCS). Also called: ACROCEPHALY, SKULL ASYMMETRY, AND MILD SYNDACTYLY; ACS III; CHOTZEN SYNDROME. Identifiers: Orphanet 794, MedGen C0175699, MONDO:0007042, OMIM 101400.

Submission:

Labcorp Genetics (formerly Invitae), Labcorp
Classification: Uncertain significance for TWIST1-related craniosynostosis; Saethre-Chotzen syndrome. Last evaluated: 2023-12-25. Review status: criteria provided, single submitter. Criteria: Invitae Variant Classification Sherloc (09022015). Collection method: clinical testing. Allele origin: germline.
Comment: This sequence change replaces aspartic acid, which is acidic and polar, with asparagine, which is neutral and polar, at codon 141 of the TWIST1 protein (p.Asp141Asn). This variant is not present in population databases (gnomAD no frequency). This missense change has been observed in individual(s) with nonsyndromic craniosynostosis and/or Saethre-Chotzen syndrome (PMID: 26114524, 33547006). ClinVar contains an entry for this variant (Variation ID: 2136497). An algorithm developed to predict the effect of missense changes on protein structure and function (PolyPhen-2) suggests that this variant is likely to be disruptive. This variant disrupts the p.Asp141 amino acid residue in TWIST1. Other variant(s) that disrupt this residue have been observed in individuals with TWIST1-related conditions (PMID: 9259286, 9585583, 26114524), which suggests that this may be a clinically significant amino acid residue. In summary, the available evidence is currently insufficient to determine the role of this variant in disease. Therefore, it has been classified as a Variant of Uncertain Significance.

Literature cited by the submitters: PubMed 26114524; PubMed 33547006; PubMed 9259286; PubMed 9585583.